The following is an entry in ClinVar:

NM_000117.3(EMD):c.502C>T (p.Arg168Cys)

Gene: EMD (emerin; plus strand). Cytogenetic location: Xq28.
Variant type: single nucleotide variant.
Coding change: c.502C>T on transcript NM_000117.3 (MANE Select); coding-DNA position 502, C replaced by T.
Protein change: p.Arg168Cys; replaces arginine 168 with cysteine.
Molecular consequence: missense variant.
Genome position (GRCh38, 1-based): chrX:154,380,934, C>T. VCF-style: chrX-154380934-C-T. GRCh37 (hg19) VCF-style: chrX-153609294-C-T.
Other names: short protein forms R168C.
Identifiers: ClinVar variation 285132 (VCV000285132.10), dbSNP rs886044839, ClinGen allele CA10605007.

ClinVar aggregate classification (germline): Uncertain significance. Review status: criteria provided, multiple submitters, no conflicts (2 of 4 stars). 4 submissions from 4 submitters: Uncertain significance (3). 1 of the submissions does not count toward it. Last evaluated 2025-07-27.

Conditions:
Cardiovascular phenotype. Identifiers: MedGen CN230736.
Emery-Dreifuss muscular dystrophy (EDMD). Also called: Scapuloperoneal syndrome, X-linked (formerly); Humeroperoneal neuromuscular disease, (formerly). Identifiers: Orphanet 261, MedGen C0410189, MONDO:0016830.
X-linked Emery-Dreifuss muscular dystrophy. Also called: Muscular dystrophy, tardive Emery-Dreifuss type, with contractures. Identifiers: Orphanet 261, Orphanet 98863, MedGen C0751337, MONDO:0010680.

Allele frequency attached by ClinVar (database versions not stated): gnomAD exomes 0.00001 and 0.00003.

Submissions (4):

Labcorp Genetics (formerly Invitae), Labcorp
Classification: Uncertain significance for X-linked Emery-Dreifuss muscular dystrophy. Last evaluated: 2025-07-27. Review status: criteria provided, single submitter. Criteria: Invitae Variant Classification Sherloc (09022015). Collection method: clinical testing. Allele origin: germline.
Comment: This sequence change replaces arginine, which is basic and polar, with cysteine, which is neutral and slightly polar, at codon 168 of the EMD protein (p.Arg168Cys). This variant is present in population databases (no rsID available, gnomAD 0.02%), including at least one homozygous and/or hemizygous individual. This variant has not been reported in the literature in individuals affected with EMD-related conditions. ClinVar contains an entry for this variant (Variation ID: 285132). Invitae Evidence Modeling of protein sequence and biophysical properties (such as structural, functional, and spatial information, amino acid conservation, physicochemical variation, residue mobility, and thermodynamic stability) indicates that this missense variant is expected to disrupt EMD protein function with a positive predictive value of 80%. In summary, the available evidence is currently insufficient to determine the role of this variant in disease. Therefore, it has been classified as a Variant of Uncertain Significance.

Ambry Genetics
Classification: Uncertain significance for Cardiovascular phenotype. Last evaluated: 2023-10-03. Review status: criteria provided, single submitter. Criteria: Ambry Variant Classification Scheme 2023. Collection method: clinical testing. Allele origin: germline.
Comment: The p.R168C variant (also known as c.502C>T), located in coding exon 6 of the EMD gene, results from a C to T substitution at nucleotide position 502. The arginine at codon 168 is replaced by cysteine, an amino acid with highly dissimilar properties. Based on data from gnomAD, the T allele has an overall frequency of 0.003% (5/182849) total alleles studied, with 1 homozygote(s) and no hemizygote(s) observed. The highest observed frequency was 0.02% (4/19080) of South Asian alleles. This amino acid position is highly conserved in available vertebrate species. In addition, this alteration is predicted to be deleterious by in silico analysis. Since supporting evidence is limited at this time, the clinical significance of this alteration remains unclear.

Eurofins Ntd Llc (ga)
Classification: Uncertain significance. Last evaluated: 2015-12-04. Review status: criteria provided, single submitter. Criteria: EGL Classification Definitions 2015. Collection method: clinical testing. Allele origin: germline. Observed: 1 variant allele, 1 hemizygote.

Natera, Inc.
Classification: Uncertain significance for Emery-Dreifuss muscular dystrophy. Last evaluated: 2020-01-24. Review status: no assertion criteria provided. Collection method: clinical testing. Allele origin: germline. Not counted in ClinVar's aggregate classification.